The following is an entry in ClinVar:

NM_002485.5(NBN):c.172-1G>T

Gene: NBN (nibrin; minus strand). Cytogenetic location: 8q21.3.
Variant type: single nucleotide variant.
Coding change: c.172-1G>T on transcript NM_002485.5 (MANE Select); the canonical splice acceptor site of the intron before coding-DNA position 172, G replaced by T.
Molecular consequence: splice acceptor variant.
Genome position (GRCh38, 1-based): chr8:89,981,524, C>A on the plus strand (G>T on the coding strand, the complement: NBN is on the minus strand). VCF-style: chr8-89981524-C-A. GRCh37 (hg19) VCF-style: chr8-90993752-C-A.
Other names: c.-75-1G>T (NM_001024688.3).
Identifiers: ClinVar variation 1067506 (VCV001067506.9), dbSNP rs1391598284, ClinGen allele CA371662651.
Genomic context (GRCh38, chr8:89,981,524, plus strand): 5'-AAAGGTACCATACTTAGAATTATCTTTTAATGTCAATACAGGGATTTCATCTGTTTGACT[C>A]TGAAAAGTTAGCAAATAATTTAAAGTCTTTTACCACTCAGTACATTCACTTCTCAGAGAA-3'

ClinVar aggregate classification (germline): Likely pathogenic. Review status: criteria provided, multiple submitters, no conflicts (2 of 4 stars). 2 submissions from 2 submitters: Likely pathogenic (2). Last evaluated 2024-05-20.

Conditions:
Microcephaly, normal intelligence and immunodeficiency (NBS). Also called: Microcephaly with normal intelligence immunodeficiency and lymphoreticular malignancies; Nonsyndromal microcephaly autosomal recessive with normal intelligence; Seemanova syndrome 2; SEEMANOVA SYNDROME II; BERLIN BREAKAGE SYNDROME; Immunodeficiency, microcephaly with normal intelligence. Identifiers: Orphanet 647, MedGen C0398791, MONDO:0009623, OMIM 251260.
Aplastic anemia. Identifiers: Orphanet 182040, Orphanet 88, MedGen C0002874, MONDO:0015909, OMIM 609135, HP:0001915.
Acute lymphoid leukemia (ALL). Also called: Acute lymphoblastic leukemia; Acute lymphocytic leukemia; Lymphoblastic leukemia; Leukemia, acute lymphoblastic, somatic. Identifiers: Orphanet 513, MedGen C0023449, MONDO:0004967, OMIM 613065, HP:0006721.

Allele frequency attached by ClinVar (database versions not stated): gnomAD exomes below 0.00001.
gnomAD v4.1: 2 of 1,612,808 alleles (0.00012%); highest among the groups gnomAD compares: South Asian, 0.0022%; no homozygotes.

Submissions (2):

Fulgent Genetics
Classification: Likely pathogenic for Microcephaly, normal intelligence and immunodeficiency; Aplastic anemia; Acute lymphoid leukemia. Last evaluated: 2024-05-20. Review status: criteria provided, single submitter. Criteria: ACMG Guidelines, 2015. Collection method: clinical testing. Allele origin: germline.

Labcorp Genetics (formerly Invitae), Labcorp
Classification: Likely pathogenic for Microcephaly, normal intelligence and immunodeficiency. Last evaluated: 2021-10-18. Review status: criteria provided, single submitter. Criteria: Invitae Variant Classification Sherloc (09022015). Collection method: clinical testing. Allele origin: germline.
Comment: In summary, the currently available evidence indicates that the variant is pathogenic, but additional data are needed to prove that conclusively. Therefore, this variant has been classified as Likely Pathogenic. Donor and acceptor splice site variants typically lead to a loss of protein function (PMID: 16199547), and loss-of-function variants in NBN are known to be pathogenic (PMID: 9590180, 16415040). Algorithms developed to predict the effect of sequence changes on RNA splicing suggest that this variant may disrupt the consensus splice site, but this prediction has not been confirmed by published transcriptional studies. This variant has not been reported in the literature in individuals with NBN-related conditions. This variant is not present in population databases (ExAC no frequency). This sequence change affects an acceptor splice site in intron 2 of the NBN gene. It is expected to disrupt RNA splicing and likely results in an absent or disrupted protein product.

Literature cited by the submitters: PubMed 16199547 (cited by Labcorp Genetics (formerly Invitae), Labcorp); PubMed 9590180 (cited by Labcorp Genetics (formerly Invitae), Labcorp); PubMed 16415040 (cited by Labcorp Genetics (formerly Invitae), Labcorp).